The following is an entry in ClinVar:

NM_001613.4(ACTA2):c.929G>A (p.Gly310Asp)

Genes: ACTA2 (actin alpha 2, smooth muscle; minus strand), ACTA2-AS1 (ACTA2 antisense RNA 1; plus strand). Cytogenetic location: 10q23.31.
Variant type: single nucleotide variant.
Coding change: c.929G>A on transcript NM_001613.4 (MANE Select); coding-DNA position 929, G replaced by A.
Protein change: p.Gly310Asp; replaces glycine 310 with aspartic acid.
Molecular consequence: missense variant.
Genome position (GRCh38, 1-based): chr10:88,938,122, C>T on the plus strand (G>A on the coding strand, the complement: ACTA2 is on the minus strand). VCF-style: chr10-88938122-C-T. GRCh37 (hg19) VCF-style: chr10-90697879-C-T.
Other names: c.800G>A, p.Gly267Asp (NM_001406468.1, NM_001406469.1, NM_001406467.1); c.737G>A, p.Gly246Asp (NM_001406471.1); c.929G>A, p.Gly310Asp (NM_001141945.3, NM_001320855.2, NM_001406462.1 and 2 more transcripts); c.818G>A, p.Gly273Asp (NM_001406466.1); short protein forms G267D, G310D, G246D, G273D.
Identifiers: ClinVar variation 2111776 (VCV002111776.4), dbSNP rs1386026266, ClinGen allele CA377510772.

ClinVar aggregate classification (germline): Uncertain significance (1 of 4 stars; one submission).

Conditions:
Aortic aneurysm, familial thoracic 6 (AAT6). Also called: FAMILIAL THORACIC AORTIC ANEURYSM WITH LIVEDO RETICULARIS AND IRIS FLOCCULI. Identifiers: MedGen C2673186, MONDO:0012730, OMIM 611788.

Submission:

Labcorp Genetics (formerly Invitae), Labcorp
Classification: Uncertain significance for Aortic aneurysm, familial thoracic 6. Last evaluated: 2022-03-14. Review status: criteria provided, single submitter. Criteria: Invitae Variant Classification Sherloc (09022015). Collection method: clinical testing. Allele origin: germline.
Comment: In summary, the available evidence is currently insufficient to determine the role of this variant in disease. Therefore, it has been classified as a Variant of Uncertain Significance. Advanced modeling of protein sequence and biophysical properties (such as structural, functional, and spatial information, amino acid conservation, physicochemical variation, residue mobility, and thermodynamic stability) performed at Invitae indicates that this missense variant is expected to disrupt ACTA2 protein function. This variant has not been reported in the literature in individuals affected with ACTA2-related conditions. This variant is not present in population databases (gnomAD no frequency). This sequence change replaces glycine, which is neutral and non-polar, with aspartic acid, which is acidic and polar, at codon 310 of the ACTA2 protein (p.Gly310Asp).